The following is an entry in ClinVar:

NM_006206.6(PDGFRA):c.814G>A (p.Val272Met)

Gene: PDGFRA (platelet derived growth factor receptor alpha; plus strand). Cytogenetic location: 4q12.
Variant type: single nucleotide variant.
Coding change: c.814G>A on transcript NM_006206.6 (MANE Select); coding-DNA position 814, G replaced by A.
Protein change: p.Val272Met; replaces valine 272 with methionine.
Molecular consequence: missense variant.
Genome position (GRCh38, 1-based): chr4:54,267,343, G>A. VCF-style: chr4-54267343-G-A. GRCh37 (hg19) VCF-style: chr4-55133510-G-A.
Other names: c.814G>A, p.Val272Met (NM_001347827.2, NM_001347829.2); c.889G>A, p.Val297Met (NM_001347828.2); c.853G>A, p.Val285Met (NM_001347830.2); short protein forms V272M, V285M, V297M.
Identifiers: ClinVar variation 2794260 (VCV002794260.4), dbSNP rs2110264798, ClinGen allele CA356891165.

ClinVar aggregate classification (germline): Uncertain significance. Review status: criteria provided, multiple submitters, no conflicts (2 of 4 stars). 2 submissions from 2 submitters: Uncertain significance (2). Last evaluated 2026-05-02.

Conditions:
Hereditary cancer-predisposing syndrome. Also called: Neoplastic Syndromes, Hereditary; Tumor predisposition; Hereditary Cancer Syndrome; Hereditary neoplastic syndrome. Identifiers: Orphanet 140162, MedGen C0027672, MeSH D009386, MONDO:0015356.
Gastrointestinal stromal tumor. Also called: Gastrointestinal stromal tumor, somatic; Gastrointestinal stroma tumor. Identifiers: Orphanet 44890, MedGen C0238198, MeSH D046152, MONDO:0011719, OMIM 606764, HP:0100723.

Submissions (2):

Ambry Genetics
Classification: Uncertain significance for Hereditary cancer-predisposing syndrome. Last evaluated: 2026-05-02. Review status: criteria provided, single submitter. Criteria: Ambry Variant Classification Scheme 2023. Collection method: clinical testing. Allele origin: germline.
Comment: The p.V272M variant (also known as c.814G>A), located in coding exon 5 of the PDGFRA gene, results from a G to A substitution at nucleotide position 814. The valine at codon 272 is replaced by methionine, an amino acid with highly similar properties. This amino acid position is conserved. In addition, this alteration is predicted to be tolerated by in silico analysis. Based on the available evidence, the clinical significance of this variant remains unclear.

Labcorp Genetics (formerly Invitae), Labcorp
Classification: Uncertain significance for Gastrointestinal stromal tumor. Last evaluated: 2023-10-04. Review status: criteria provided, single submitter. Criteria: Invitae Variant Classification Sherloc (09022015). Collection method: clinical testing. Allele origin: germline.
Comment: This sequence change replaces valine, which is neutral and non-polar, with methionine, which is neutral and non-polar, at codon 272 of the PDGFRA protein (p.Val272Met). This variant is not present in population databases (gnomAD no frequency). This variant has not been reported in the literature in individuals affected with PDGFRA-related conditions. An algorithm developed to predict the effect of missense changes on protein structure and function (PolyPhen-2) suggests that this variant is likely to be disruptive. In summary, the available evidence is currently insufficient to determine the role of this variant in disease. Therefore, it has been classified as a Variant of Uncertain Significance.